The following is an entry in ClinVar:

NM_031935.3(HMCN1):c.8150C>T (p.Ser2717Phe)

Gene: HMCN1 (hemicentin 1; plus strand). Cytogenetic location: 1q31.1.
Variant type: single nucleotide variant.
Coding change: c.8150C>T on transcript NM_031935.3 (MANE Select); coding-DNA position 8150, C replaced by T.
Protein change: p.Ser2717Phe; replaces serine 2717 with phenylalanine.
Molecular consequence: missense variant.
Genome position (GRCh38, 1-based): chr1:186,074,751, C>T. VCF-style: chr1-186074751-C-T. GRCh37 (hg19) VCF-style: chr1-186043883-C-T.
Other names: short protein forms S2717F.
Identifiers: ClinVar variation 873814 (VCV000873814.9), dbSNP rs201586866, ClinGen allele CA1293054.
Genomic context (GRCh38, chr1:186,074,751, plus strand): 5'-GAGGATTCATTATAGCACTTAATGCTAACATTGTTATAATTGAATCACAGCCCCTTAAAT[C>T]CGATGATCATGTTAATATTGCTGCGAATGGACACACACTTCAAATAAAGGAGGCTCAAAT-3'
Protein context (NP_114141.2, residues 2707-2727): SWYKDGQPLK[Ser2717Phe]DDHVNIAANG

ClinVar aggregate classification (germline): Uncertain significance. Review status: criteria provided, multiple submitters, no conflicts (2 of 4 stars). 3 submissions from 3 submitters: Uncertain significance (3). Last evaluated 2025-12-29.

Conditions:
Age related macular degeneration 1 (ARMD1). Also called: MACULOPATHY, AGE-RELATED, 1. Identifiers: MedGen C1864205, MONDO:0011285, OMIM 603075.

Allele frequency attached by ClinVar (database versions not stated): gnomAD 0.00001 and 0.00005; TOPMed 0.00001; ExAC 0.00004; gnomAD exomes 0.00005 and 0.00012; 1000 Genomes Project 30x 0.00031; 1000 Genomes Project 0.00040.
gnomAD v4.1: 171 of 1,612,756 alleles (0.011%); highest among the groups gnomAD compares: East Asian, 0.38%; 1 homozygote.

Submissions (3):

Labcorp Genetics (formerly Invitae), Labcorp
Classification: Uncertain significance. Last evaluated: 2025-12-29. Review status: criteria provided, single submitter. Criteria: Invitae Variant Classification Sherloc (09022015). Collection method: clinical testing. Allele origin: germline.
Comment: This sequence change replaces serine, which is neutral and polar, with phenylalanine, which is neutral and non-polar, at codon 2717 of the HMCN1 protein (p.Ser2717Phe). This variant is present in population databases (rs201586866, gnomAD 0.07%), and has an allele count higher than expected for a pathogenic variant. This variant has not been reported in the literature in individuals affected with HMCN1-related conditions. ClinVar contains an entry for this variant (Variation ID: 873814). An algorithm developed to predict the effect of missense changes on protein structure and function (PolyPhen-2) suggests that this variant is likely to be disruptive. In summary, the available evidence is currently insufficient to determine the role of this variant in disease. Therefore, it has been classified as a Variant of Uncertain Significance.

Genome-Nilou Lab
Classification: Uncertain significance for Age related macular degeneration 1. Last evaluated: 2023-04-11. Review status: criteria provided, single submitter. Criteria: ACMG Guidelines, 2015. Collection method: clinical testing. Allele origin: germline. Affected: no.

Illumina Laboratory Services, Illumina
Classification: Uncertain significance for Age related macular degeneration 1. Last evaluated: 2018-01-13. Review status: criteria provided, single submitter. Criteria: ICSL Variant Classification Criteria 13 December 2019. Collection method: clinical testing. Allele origin: germline.